The following is an entry in ClinVar:

ClinVar aggregate classification (germline): Likely benign. Review status: criteria provided, multiple submitters, no conflicts (2 of 4 stars). 2 submissions from 2 submitters: Likely benign (2). Last evaluated 2026-01-12.

Allele frequency attached by ClinVar (database versions not stated): gnomAD 0.00048 and 0.00049; gnomAD exomes 0.00059; ExAC 0.00063; ESP Exome Variant Server 0.00069.
gnomAD v4.1: 828 of 1,613,330 alleles (0.051%); highest among the groups gnomAD compares: Non-Finnish European, 0.062%; 2 homozygotes.

Submissions (2):

Labcorp Genetics (formerly Invitae), Labcorp
Classification: Likely benign. Last evaluated: 2026-01-12. Review status: criteria provided, single submitter. Criteria: Invitae Variant Classification Sherloc (09022015). Collection method: clinical testing. Allele origin: germline.

CeGaT Center for Human Genetics Tuebingen
Classification: Likely benign. Last evaluated: 2023-06-01. Review status: criteria provided, single submitter. Criteria: CeGaT Center For Human Genetics Tuebingen Variant Classification Criteria Version 2. Collection method: clinical testing. Allele origin: germline. Affected: yes. Observed: 2 variant alleles.
Comment: FBN3: BP4, BP7

NM_032447.5(FBN3):c.5796G>A (p.Glu1932=)

Gene: FBN3 (fibrillin 3; minus strand). Cytogenetic location: 19p13.2.
Variant type: single nucleotide variant.
Coding change: c.5796G>A on transcript NM_032447.5 (MANE Select); coding-DNA position 5796, G replaced by A.
Protein change: p.Glu1932=; no amino-acid change (glutamic acid 1932 retained).
Molecular consequence: synonymous variant.
Genome position (GRCh38, 1-based): chr19:8,094,555, C>T on the plus strand (G>A on the coding strand, the complement: FBN3 is on the minus strand). VCF-style: chr19-8094555-C-T. GRCh37 (hg19) VCF-style: chr19-8159439-C-T.
Other names: c.5796G>A, p.Glu1932= (NM_001321431.2).
Identifiers: ClinVar variation 1445366 (VCV001445366.31), dbSNP rs147423270, ClinGen allele CA9151530.